The following is an entry in ClinVar:

NM_000843.4(GRM6):c.1707G>C (p.Thr569=)

Genes: ZNF454 (zinc finger protein 454; plus strand), GRM6 (glutamate metabotropic receptor 6; minus strand). Cytogenetic location: 5q35.3.
Variant type: single nucleotide variant.
Coding change: c.1707G>C on transcript NM_000843.4 (MANE Select); coding-DNA position 1707, G replaced by C.
Protein change: p.Thr569=; no amino-acid change (threonine 569 retained).
Molecular consequence: synonymous variant.
Genome position (GRCh38, 1-based): chr5:178,986,547, C>G on the plus strand (G>C on the coding strand, the complement: GRM6 is on the minus strand). VCF-style: chr5-178986547-C-G. GRCh37 (hg19) VCF-style: chr5-178413548-C-G.
Other names: c.1707G>C (NM_000843.3).
Identifiers: ClinVar variation 1095066 (VCV001095066.12), dbSNP rs200389196, ClinGen allele CA3593954.

ClinVar aggregate classification (germline): Likely benign. Review status: criteria provided, multiple submitters, no conflicts (2 of 4 stars). 3 submissions from 3 submitters: Likely benign (2). 1 of the submissions does not count toward it. Last evaluated 2024-12-18.

Conditions:
GRM6-related disorder. Also called: GRM6-related condition.

gnomAD v4.1: 29 of 1,607,692 alleles (0.0018%); highest among the groups gnomAD compares: Admixed American, 0.0033%; no homozygotes.

Submissions (3):

Labcorp Genetics (formerly Invitae), Labcorp
Classification: Likely benign. Last evaluated: 2024-12-18. Review status: criteria provided, single submitter. Criteria: Invitae Variant Classification Sherloc (09022015). Collection method: clinical testing. Allele origin: germline.

Blueprint Genetics
Classification: Likely benign. Last evaluated: 2024-01-31. Review status: criteria provided, single submitter. Criteria: ACMG Guidelines, 2015. Collection method: clinical testing. Allele origin: germline.

PreventionGenetics, part of Exact Sciences
Classification: Likely benign for GRM6-related condition. Last evaluated: 2019-06-04. Review status: no assertion criteria provided. Collection method: clinical testing. Allele origin: germline. Not counted in ClinVar's aggregate classification.
Comment: This variant is classified as likely benign based on ACMG/AMP sequence variant interpretation guidelines (Richards et al. 2015 PMID: 25741868, with internal and published modifications).